The following is an entry in ClinVar:

ClinVar aggregate classification (germline): Uncertain significance. Review status: reviewed by expert panel (3 of 4 stars). 5 submissions from 5 submitters: Uncertain significance (1). 4 of the submissions do not count toward it. Last evaluated 2024-05-01.

Conditions:
Primary pulmonary hypertension. Also called: Idiopathic pulmonary hypertension. Identifiers: MedGen C0152171.
Pulmonary venoocclusive disease 1 (PVOD1). Also called: Pulmonary venoocclusive disease 1, autosomal dominant. Identifiers: Orphanet 31837, MedGen C3887658, MONDO:0020713, OMIM 265450.
Pulmonary hypertension, primary, 1 (PPH1). Also called: Pulmonary hypertension, familial primary, 1, with or without HHT. Identifiers: Orphanet 422, MedGen C4552070, MONDO:0024533, OMIM 178600.
Pulmonary arterial hypertension. Identifiers: Orphanet 182090, MedGen C2973725, MeSH D000081029, MONDO:0015924, HP:0002092.

Allele frequency attached by ClinVar (database versions not stated): gnomAD exomes 0.00002 and 0.00004; TOPMed 0.00003; ExAC 0.00004; gnomAD 0.00004 and 0.00005; ESP Exome Variant Server 0.00015; 1000 Genomes Project 30x 0.00016; 1000 Genomes Project 0.00020.
gnomAD v4.1: 34 of 1,614,224 alleles (0.0021%); highest among the groups gnomAD compares: East Asian, 0.016%; no homozygotes.

Submissions (5):

Clingen Pulmonary Hypertension Variant Curation Expert Panel, ClinGen
Classification: Uncertain significance for Pulmonary arterial hypertension. Last evaluated: 2024-05-01. Review status: reviewed by expert panel. Criteria: ClinGen PH ACMG Specifications BMPR2 V1.1.0. Collection method: curation. Allele origin: germline.
Comment: The BMPR2 c.1516A>G variant is a missense variant predicted to cause substitution of methionine to valine at amino acid position 506 ((p.(Met506Val)). The highest population minor allele frequency is for East Asian (0.00022) in gnomAD v2.1.1 controls and 0.00015 in gnomAD v3.1.2 and does not meet population criteria (PM2 <0.01%, BS1 >0.1%, anBA1 >1%). BP4 is met by the computational predictor REVEL score of 0.23, which is below the PH-VCEP specified threshold of <0.25 (additional support for BP4 is alpha missense score of 0.077). This variant does not reside within the critical extracellular or kinase domains, so PM1 is not met. Co-segregation/case and experimental criteria was not evaluated due to lack of reported evidence. Alternative variants in the same amino acid have not been reported. In summary, this variant meets the criteria to be classified as a variant of uncertain significance (VUS) for pulmonary arterial hypertension based on the ACMG/AMP criteria applied, as specified by the ClinGen Pulmonary Hypertension VCEP: BP4 (VCEP specification version 1.1, 1/18/2024).

Labcorp Genetics (formerly Invitae), Labcorp
Classification: Likely benign for Primary pulmonary hypertension. Last evaluated: 2025-08-21. Review status: criteria provided, single submitter. Criteria: Invitae Variant Classification Sherloc (09022015). Collection method: clinical testing. Allele origin: germline. Not counted in ClinVar's aggregate classification.

Fulgent Genetics
Classification: Uncertain significance for Pulmonary hypertension, primary, 1; Pulmonary venoocclusive disease 1. Last evaluated: 2022-02-26. Review status: criteria provided, single submitter. Criteria: ACMG Guidelines, 2015. Collection method: clinical testing. Allele origin: unknown. Not counted in ClinVar's aggregate classification.

Johns Hopkins Genomics, Johns Hopkins University
Classification: Uncertain significance for Pulmonary venoocclusive disease 1. Last evaluated: 2020-10-28. Review status: criteria provided, single submitter. Criteria: ACMG Guidelines, 2015. Collection method: clinical testing. Allele origin: germline. Not counted in ClinVar's aggregate classification.
Comment: This BMPR2 variant (rs370457339) is rare (<0.1%) in a large population dataset (gnomAD: 11/251490 total alleles; 0.004%; no homozygotes) and has not been reported in the literature, to our knowledge. This variant has been reported in ClinVar. Three bioinformatic tools queried predict that this substitution would be tolerated, and the methionine residue at this position is evolutionarily conserved across most mammals. Due to insufficient evidence, we consider the clinical significance of c.1516A>G to be uncertain at this time.

Rare Disease Genomics Group, St George's University of London
Classification: Uncertain significance for Primary pulmonary hypertension. Review status: no assertion criteria provided. Collection method: literature only. Allele origin: germline. Affected: yes. Not counted in ClinVar's aggregate classification.

Literature cited by the submitters: PubMed 26387786 (cited by Rare Disease Genomics Group, St George's University of London).

NM_001204.7(BMPR2):c.1516A>G (p.Met506Val)

Gene: BMPR2 (bone morphogenetic protein receptor type 2; plus strand). Cytogenetic location: 2q33.2.
Variant type: single nucleotide variant.
Coding change: c.1516A>G on transcript NM_001204.7 (MANE Select); coding-DNA position 1516, A replaced by G.
Protein change: p.Met506Val; replaces methionine 506 with valine.
Molecular consequence: missense variant.
Genome position (GRCh38, 1-based): chr2:202,552,818, A>G. VCF-style: chr2-202552818-A-G. GRCh37 (hg19) VCF-style: chr2-203417541-A-G.
Other names: NM_001204.7(BMPR2):c.1516A>G; p.Met506Val; c.1516A>G (LRG_712t1); short protein forms M506V.
Identifiers: ClinVar variation 425955 (VCV000425955.9), dbSNP rs370457339, ClinGen allele CA2061384.
Genomic context (GRCh38, chr2:202,552,818, plus strand): 5'-CAGGATGCAGAGGCTCGGCTTACTGCACAGTGTGCTGAGGAAAGGATGGCTGAACTTATG[A>G]TGATTTGGGAAAGAAACAAATCTGTGAGCCCAACAGTCAATCCAATGTCTACTGCTATGC-3'
Protein context (NP_001195.2, residues 496-516): CAEERMAELM[Met506Val]IWERNKSVSP